The following is an entry in ClinVar:

ClinVar aggregate classification (germline): Benign/Likely benign. Review status: criteria provided, multiple submitters, no conflicts (2 of 4 stars). 3 submissions from 3 submitters: Benign (2); Likely benign (1). Last evaluated 2026-02-01.

Allele frequency attached by ClinVar (database versions not stated): 1000 Genomes Project 0.00359; 1000 Genomes Project 30x 0.00359; ESP Exome Variant Server 0.00577; TOPMed 0.00597; gnomAD exomes 0.00684 and 0.00859; gnomAD 0.00728 and 0.00752; ExAC 0.00743.
gnomAD v4.1: 13,529 of 1,610,104 alleles (0.84%); highest among the groups gnomAD compares: Non-Finnish European, 0.97%; 105 homozygotes.

Submissions (3):

CeGaT Center for Human Genetics Tuebingen
Classification: Likely benign. Last evaluated: 2026-02-01. Review status: criteria provided, single submitter. Criteria: CeGaT Center For Human Genetics Tuebingen Variant Classification Criteria Version 2. Collection method: clinical testing. Allele origin: germline. Affected: yes. Observed: 9 variant alleles.
Comment: YY1AP1: BP4, BS2

Labcorp Genetics (formerly Invitae), Labcorp
Classification: Benign. Last evaluated: 2018-08-08. Review status: criteria provided, single submitter. Criteria: Invitae Variant Classification Sherloc (09022015). Collection method: clinical testing. Allele origin: germline.

Breakthrough Genomics
Classification: Benign. Review status: criteria provided, single submitter. Criteria: ACMG Guidelines, 2015. Collection method: not provided. Allele origin: germline. Inheritance: Autosomal recessive inheritance. Affected: yes.

NM_139119.3(YY1AP1):c.-60T>C

Genes: YY1AP1 (YY1 associated protein 1; minus strand), DAP3 (death associated protein 3; plus strand). Cytogenetic location: 1q22.
Variant type: single nucleotide variant.
Coding change: c.-60T>C on transcript NM_139119.3 (MANE Select); 60 bases upstream of the start codon, T replaced by C.
Molecular consequence: 5 prime UTR variant. On other transcripts: missense variant (4), intron variant (3).
Genome position (GRCh38, 1-based): chr1:155,688,110, A>G on the plus strand (T>C on the coding strand, the complement: YY1AP1 is on the minus strand). VCF-style: chr1-155688110-A-G. GRCh37 (hg19) VCF-style: chr1-155657901-A-G.
Other names: c.-52T>C (NM_001198900.2); c.355T>C, p.Ser119Pro (NM_001198903.1, NM_001198904.1); c.-60T>C (NM_001198905.2); c.139T>C, p.Ser47Pro (NM_001198906.2, NM_139118.3); c.-174T>C (NM_018253.4); c.-21+820T>C (NM_001198901.2); c.-375+820T>C (NM_139121.3); c.-21+549T>C (NM_001198902.2); short protein forms S119P, S47P.
Identifiers: ClinVar variation 782734 (VCV000782734.28), dbSNP rs143953255, ClinGen allele CA1148979.